The following is an entry in ClinVar:

ClinVar aggregate classification (germline): Uncertain significance (1 of 4 stars; one submission).

Conditions:
Autosomal recessive limb-girdle muscular dystrophy type 2L (LGMDR12). Also called: MUSCULAR DYSTROPHY, LIMB-GIRDLE, AUTOSOMAL RECESSIVE 12; Limb-Girdle Muscular Dystrophy R12 Anoctamin-5-Related (LGMD-R12); Limb-girdle muscular dystrophy, type 2L. Identifiers: Orphanet 206549, MedGen C1969785, MONDO:0012652, OMIM 611307.
Gnathodiaphyseal dysplasia (GDD). Also called: GNATHODIAPHYSEAL SCLEROSIS; OSTEOGENESIS IMPERFECTA WITH UNUSUAL SKELETAL LESIONS. Identifiers: Orphanet 53697, MedGen C1833736, MONDO:0008151, OMIM 166260.

Submission:

Labcorp Genetics (formerly Invitae), Labcorp
Classification: Uncertain significance for Autosomal recessive limb-girdle muscular dystrophy type 2L; Gnathodiaphyseal dysplasia. Last evaluated: 2018-03-07. Review status: criteria provided, single submitter. Criteria: Invitae Variant Classification Sherloc (09022015). Collection method: clinical testing. Allele origin: germline.
Comment: In summary, the available evidence is currently insufficient to determine the role of this variant in disease. Therefore, it has been classified as a Variant of Uncertain Significance. Algorithms developed to predict the effect of missense changes on protein structure and function output the following: SIFT: "Tolerated"; PolyPhen-2: "Benign"; Align-GVGD: "Class C0". The serine amino acid residue is found in multiple mammalian species, suggesting that this missense change does not adversely affect protein function. These predictions have not been confirmed by published functional studies and their clinical significance is uncertain. This sequence change replaces threonine with serine at codon 206 of the ANO5 protein (p.Thr206Ser). The threonine residue is moderately conserved and there is a small physicochemical difference between threonine and serine. This variant is not present in population databases (ExAC no frequency). This variant has not been reported in the literature in individuals with ANO5-related disease.

NM_213599.3(ANO5):c.617C>G (p.Thr206Ser)

Gene: ANO5 (anoctamin 5; plus strand). Cytogenetic location: 11p14.3.
Variant type: single nucleotide variant.
Coding change: c.617C>G on transcript NM_213599.3 (MANE Select); coding-DNA position 617, C replaced by G.
Protein change: p.Thr206Ser; replaces threonine 206 with serine.
Molecular consequence: missense variant.
Genome position (GRCh38, 1-based): chr11:22,227,555, C>G. VCF-style: chr11-22227555-C-G. GRCh37 (hg19) VCF-style: chr11-22249101-C-G.
Other names: c.614C>G, p.Thr205Ser (NM_001142649.2); short protein forms T205S, T206S.
Identifiers: ClinVar variation 1003570 (VCV001003570.9), dbSNP rs1852885137, ClinGen allele CA379920035.